The following is an entry in ClinVar:

ClinVar aggregate classification (germline): Likely benign. Review status: criteria provided, multiple submitters, no conflicts (2 of 4 stars). 7 submissions from 7 submitters: Likely benign (6). 1 of the submissions does not count toward it. Last evaluated 2026-02-02.

Conditions:
PEX6-related disorder. Also called: PEX6-related disorders; PEX6-related condition.
Peroxisome biogenesis disorder. Identifiers: Orphanet 79189, MedGen C1832200, MONDO:0019234. Disease mechanism: loss of function.

Allele frequency attached by ClinVar (database versions not stated): gnomAD exomes 0.00017 and 0.00042; ExAC 0.00060; gnomAD 0.00168 and 0.00175; 1000 Genomes Project 0.00180; TOPMed 0.00186; ESP Exome Variant Server 0.00200; 1000 Genomes Project 30x 0.00219.
gnomAD v4.1: 515 of 1,614,164 alleles (0.032%); highest among the groups gnomAD compares: African/African-American, 0.61%; 4 homozygotes.

Submissions (7):

Labcorp Genetics (formerly Invitae), Labcorp
Classification: Likely benign for Peroxisome biogenesis disorder. Last evaluated: 2026-02-02. Review status: criteria provided, single submitter. Criteria: Invitae Variant Classification Sherloc (09022015). Collection method: clinical testing. Allele origin: germline.

Mayo Clinic Laboratories, Mayo Clinic
Classification: Likely benign. Last evaluated: 2025-04-29. Review status: criteria provided, single submitter. Criteria: ACMG Guidelines, 2015. Collection method: clinical testing. Allele origin: germline. Observed: 4 variant alleles.
Comment: BS1, BS2

Blueprint Genetics
Classification: Likely benign. Last evaluated: 2024-11-07. Review status: criteria provided, single submitter. Criteria: ACMG Guidelines, 2015. Collection method: clinical testing. Allele origin: germline.

GeneDx
Classification: Likely benign. Last evaluated: 2020-08-19. Review status: criteria provided, single submitter. Criteria: GeneDx Variant Classification Process June 2021. Collection method: clinical testing. Allele origin: germline. Affected: yes.

Eurofins Ntd Llc (ga)
Classification: Likely benign. Last evaluated: 2015-07-24. Review status: criteria provided, single submitter. Criteria: EGL Classification Definitions 2015. Collection method: clinical testing. Allele origin: germline. Observed: 1 variant allele, 1 heterozygote.

Breakthrough Genomics
Classification: Likely benign. Review status: criteria provided, single submitter. Criteria: ACMG Guidelines, 2015. Collection method: not provided. Allele origin: germline. Inheritance: Autosomal recessive inheritance. Affected: yes.

PreventionGenetics, part of Exact Sciences
Classification: Likely benign for PEX6-related condition. Last evaluated: 2019-12-11. Review status: no assertion criteria provided. Collection method: clinical testing. Allele origin: germline. Not counted in ClinVar's aggregate classification.
Comment: This variant is classified as likely benign based on ACMG/AMP sequence variant interpretation guidelines (Richards et al. 2015 PMID: 25741868, with internal and published modifications).

NM_000287.4(PEX6):c.1171G>A (p.Glu391Lys)

Gene: PEX6 (peroxisomal biogenesis factor 6; minus strand). Cytogenetic location: 6p21.1.
Variant type: single nucleotide variant.
Coding change: c.1171G>A on transcript NM_000287.4 (MANE Select); coding-DNA position 1171, G replaced by A.
Protein change: p.Glu391Lys; replaces glutamic acid 391 with lysine.
Molecular consequence: missense variant. On other transcripts: non-coding transcript variant (1).
Genome position (GRCh38, 1-based): chr6:42,969,947, C>T on the plus strand (G>A on the coding strand, the complement: PEX6 is on the minus strand). VCF-style: chr6-42969947-C-T. GRCh37 (hg19) VCF-style: chr6-42937685-C-T.
Other names: p.Glu391Lys; c.907G>A, p.Glu303Lys (NM_001316313.2); short protein forms E391K, E303K.
Identifiers: ClinVar variation 281978 (VCV000281978.25), dbSNP rs150046979, ClinGen allele CA3811422.